The following is an entry in ClinVar:

ClinVar aggregate classification (germline): Pathogenic. Review status: criteria provided, multiple submitters, no conflicts (2 of 4 stars). 4 submissions from 4 submitters: Pathogenic (3). 1 of the submissions does not count toward it. Last evaluated 2026-02-19.

Conditions:
Infantile GM1 gangliosidosis. Also called: GM1-gangliosidosis, type I; Gangliosidosis, generalized GM1, infantile form; GLB1 deficiency; GM1 gangliosidosis type 1; Gangliosidosis, Generalized GM1, Type 1. Identifiers: Orphanet 354, Orphanet 79255, MedGen C0268271, MONDO:0009260, OMIM 230500.
GM1 gangliosidosis type 2. Also called: Gangliosidosis, Generalized GM1, Type 2; GM1-GANGLIOSIDOSIS, TYPE II; GANGLIOSIDOSIS, GENERALIZED GM1, JUVENILE TYPE; GANGLIOSIDOSIS, GENERALIZED GM1, TYPE II; Juvenile GM>1< gangliosidosis. Identifiers: Orphanet 354, Orphanet 79256, MedGen C0268272, MONDO:0009261, OMIM 230600.
Mucopolysaccharidosis, MPS-IV-B (MPS4B). Also called: Mucopolysaccharidosis type 4B; Mucopolysaccharidosis type IVB (Morquio); MPS IVB; Mucopolysaccharidosis type IV B; Mucopolysaccharidosis Type IVB (Morquio B Disease); MORQUIO SYNDROME B. Identifiers: Orphanet 309310, Orphanet 582, MedGen C0086652, MONDO:0009660, OMIM 253010.
GM1 gangliosidosis type 3. Also called: Gangliosidosis, Generalized GM1, Type 3; GM1-GANGLIOSIDOSIS, TYPE III; GANGLIOSIDOSIS, GENERALIZED GM1, ADULT TYPE; GANGLIOSIDOSIS, GENERALIZED GM1, CHRONIC TYPE; GANGLIOSIDOSIS, GENERALIZED GM1, TYPE III; Beta-galactosidase deficiency. Identifiers: Orphanet 79257, MedGen C0268273, MONDO:0009262, OMIM 230650.
Lysosomal storage disease. Also called: Lysosomal storage disorder. Identifiers: Orphanet 68366, MedGen C0085078, MONDO:0002561.
GM1 gangliosidosis. Identifiers: Orphanet 354, MedGen C0085131, MONDO:0018149.
GLB1-related disorder. Also called: GLB1-related disorders. Identifiers: MedGen CN377807.

Submissions (4):

Myriad Genetics, Inc.
Classification: Pathogenic for GLB1-related disorder. Last evaluated: 2026-02-19. Review status: criteria provided, single submitter. Criteria: Myriad Autosomal Dominant, Autosomal Recessive and X-Linked Classification Criteria (2023). Collection method: clinical testing. Allele origin: unknown.
Comment: NM_000404.2(GLB1):c.1634dupA(N545Kfs*40) is a frameshift variant classified as pathogenic in the context of GLB1-related disorders. N545Kfs*40 has not been observed in cases with relevant disease. Relevant functional assessments of this variant are not available in the literature. N545Kfs*40 has been observed in referenced population frequency databases. In summary, NM_000404.2(GLB1):c.1634dupA(N545Kfs*40) is a frameshift variant in a gene where loss of function is a known mechanism of disease and is predicted to disrupt protein function. Please note: this variant was assessed in the context of healthy population screening.

Genetics Laboratory, Great Ormond Street Hospital NHS Foundation Trust, North Thames Genomic Laboratory Hub
Classification: Pathogenic for Lysosomal storage disorder. Last evaluated: 2026-02-11. Review status: criteria provided, single submitter. Criteria: ACGS Best Practice Guidelines for Variant Classification in Rare Disease 2024 v1.2. Collection method: clinical testing. Allele origin: germline. Affected: yes.
Comment: PM2_moderate, PVS1_very-strong, PM3_supporting, PP4_strong

Labcorp Genetics (formerly Invitae), Labcorp
Classification: Pathogenic for Mucopolysaccharidosis, MPS-IV-B; GM1 gangliosidosis. Last evaluated: 2025-11-05. Review status: criteria provided, single submitter. Criteria: Invitae Variant Classification Sherloc (09022015). Collection method: clinical testing. Allele origin: germline.
Comment: This sequence change creates a premature translational stop signal (p.Asn545Lysfs*40) in the GLB1 gene. While this is not anticipated to result in nonsense mediated decay, it is expected to disrupt the last 133 amino acid(s) of the GLB1 protein. This variant is present in population databases (rs754131566, gnomAD 0.0009%). This variant has not been reported in the literature in individuals affected with GLB1-related conditions. ClinVar contains an entry for this variant (Variation ID: 550413). This variant disrupts a region of the GLB1 protein in which other variant(s) (p.Asp564Argfs*21) have been determined to be pathogenic (internal data). This suggests that this is a clinically significant region of the protein, and that variants that disrupt it are likely to be disease-causing. For these reasons, this variant has been classified as Pathogenic.

Counsyl
Classification: Likely pathogenic for Infantile GM1 gangliosidosis; GM1 gangliosidosis type 2; GM1 gangliosidosis type 3; Mucopolysaccharidosis, MPS-IV-B. Last evaluated: 2017-01-19. Review status: no assertion criteria provided. Collection method: clinical testing. Allele origin: unknown. Not counted in ClinVar's aggregate classification.

NM_000404.4(GLB1):c.1634dup (p.Asn545fs)

Gene: GLB1 (galactosidase beta 1; minus strand). Cytogenetic location: 3p22.3.
Variant type: Duplication.
Coding change: c.1634dup on transcript NM_000404.4 (MANE Select); coding-DNA position 1634, one base duplicated (A; older notation c.1634dupA).
Protein change: p.Asn545fs; shifts the reading frame from asparagine 545.
Molecular consequence: frameshift variant.
Genome position (GRCh38, 1-based): chr3:33,014,156, T duplicated on the plus strand (A on the coding strand, the reverse complement: GLB1 is on the minus strand); the first of 2 consecutive T bases (chr3:33,014,156-33,014,157); duplicating either gives the same sequence. VCF-style (leftmost placement, unchanged base first): chr3-33014155-G-GT. GRCh37 (hg19) VCF-style: chr3-33055647-G-GT.
Other names: c.1544dup, p.Asn515fs (NM_001079811.3); c.1241dup, p.Asn414fs (NM_001135602.3); c.1778dup, p.Asn593fs (NM_001317040.2); c.1634dup, p.Asn545fs (NM_001393580.1); short protein forms N593fs, N414fs, N515fs, N545fs.
Identifiers: ClinVar variation 550413 (VCV000550413.9), dbSNP rs754131566, ClinGen allele CA2299342.